The following is an entry in ClinVar:

NM_031418.4(ANO3):c.161C>T (p.Thr54Ile)

Gene: ANO3 (anoctamin 3; plus strand). Cytogenetic location: 11p14.2.
Variant type: single nucleotide variant.
Coding change: c.161C>T on transcript NM_031418.4 (MANE Select); coding-DNA position 161, C replaced by T.
Protein change: p.Thr54Ile; replaces threonine 54 with isoleucine.
Molecular consequence: missense variant.
Genome position (GRCh38, 1-based): chr11:26,442,032, C>T. VCF-style: chr11-26442032-C-T. GRCh37 (hg19) VCF-style: chr11-26463579-C-T.
Other names: c.344C>T, p.Thr115Ile (NM_001313726.2); short protein forms T115I, T54I.
Identifiers: ClinVar variation 2641691 (VCV002641691.24), dbSNP rs758782141, ClinGen allele CA5925469.

ClinVar aggregate classification (germline): Uncertain significance (1 of 4 stars; one submission).

Allele frequency attached by ClinVar (database versions not stated): gnomAD exomes below 0.00001; ExAC 0.00001.
gnomAD v4.1: 5 of 1,614,216 alleles (0.00031%); highest among the groups gnomAD compares: South Asian, 0.0011%; no homozygotes.

Submission:

CeGaT Center for Human Genetics Tuebingen
Classification: Uncertain significance. Last evaluated: 2023-08-01. Review status: criteria provided, single submitter. Criteria: CeGaT Center For Human Genetics Tuebingen Variant Classification Criteria Version 2. Collection method: clinical testing. Allele origin: germline. Affected: yes. Observed: 1 variant allele.
Comment: ANO3: PM2, BP4